The following is an entry in ClinVar:

ClinVar aggregate classification (germline): Conflicting classifications of pathogenicity. Review status: criteria provided, conflicting classifications (1 of 4 stars). 2 submissions from 2 submitters: Pathogenic (1); Uncertain significance (1). Last evaluated 2022-09-15.

Conditions:
Epidermolysis bullosa dystrophica. Also called: Dystrophic epidermolysis bullosa, Hallopeau-Siemens type (formerly); Dystrophic epidermolysis bullosa. Identifiers: Orphanet 303, MedGen C0079294, MONDO:0006543.

Submissions (2):

Labcorp Genetics (formerly Invitae), Labcorp
Classification: Uncertain significance. Last evaluated: 2022-09-15. Review status: criteria provided, single submitter. Criteria: Invitae Variant Classification Sherloc (09022015). Collection method: clinical testing. Allele origin: germline.
Comment: This sequence change replaces glycine, which is neutral and non-polar, with glutamic acid, which is acidic and polar, at codon 1794 of the COL7A1 protein (p.Gly1794Glu). This variant is not present in population databases (gnomAD no frequency). This variant has not been reported in the literature in individuals affected with COL7A1-related conditions. ClinVar contains an entry for this variant (Variation ID: 1048042). Advanced modeling of protein sequence and biophysical properties (such as structural, functional, and spatial information, amino acid conservation, physicochemical variation, residue mobility, and thermodynamic stability) performed at Invitae indicates that this missense variant is expected to disrupt COL7A1 protein function. In summary, the available evidence is currently insufficient to determine the role of this variant in disease. Therefore, it has been classified as a Variant of Uncertain Significance.

Biomedical Innovation Departament, CIEMAT
Classification: Pathogenic for Dystrophic epidermolysis bullosa. Last evaluated: 2009-11-17. Review status: criteria provided, single submitter. Criteria: ACMG Guidelines, 2015. Collection method: research. Allele origin: germline. Affected: yes. Observed: 1 variant allele.

NM_000094.4(COL7A1):c.5381G>A (p.Gly1794Glu)

Gene: COL7A1 (collagen type VII alpha 1 chain; minus strand). Cytogenetic location: 3p21.31.
Variant type: single nucleotide variant.
Coding change: c.5381G>A on transcript NM_000094.4 (MANE Select); coding-DNA position 5381, G replaced by A.
Protein change: p.Gly1794Glu; replaces glycine 1794 with glutamic acid.
Molecular consequence: missense variant.
Genome position (GRCh38, 1-based): chr3:48,579,204, C>T on the plus strand (G>A on the coding strand, the complement: COL7A1 is on the minus strand). VCF-style: chr3-48579204-C-T. GRCh37 (hg19) VCF-style: chr3-48616637-C-T.
Other names: short protein forms G1794E.
Identifiers: ClinVar variation 1048042 (VCV001048042.4), dbSNP rs2044547049, ClinGen allele CA352675360.